The following is an entry in ClinVar:

ClinVar aggregate classification (germline): Uncertain significance (1 of 4 stars; one submission).

Allele frequency attached by ClinVar (database versions not stated): gnomAD exomes below 0.00001; gnomAD 0.00001.

Submission:

Labcorp Genetics (formerly Invitae), Labcorp
Classification: Uncertain significance. Last evaluated: 2024-01-15. Review status: criteria provided, single submitter. Criteria: Invitae Variant Classification Sherloc (09022015). Collection method: clinical testing. Allele origin: germline.
Comment: This sequence change creates a premature translational stop signal (p.Cys628Leufs*5) in the CEP89 gene. It is expected to result in an absent or disrupted protein product. However, the current clinical and genetic evidence is not sufficient to establish whether loss-of-function variants in CEP89 cause disease. This variant is present in population databases (no rsID available, gnomAD 0.007%). This variant has not been reported in the literature in individuals affected with CEP89-related conditions. In summary, the available evidence is currently insufficient to determine the role of this variant in disease. Therefore, it has been classified as a Variant of Uncertain Significance.

NM_032816.5(CEP89):c.1882dup (p.Cys628fs)

Gene: CEP89 (centrosomal protein 89; minus strand). Cytogenetic location: 19q13.11.
Variant type: Duplication.
Coding change: c.1882dup on transcript NM_032816.5 (MANE Select); coding-DNA position 1882, one base duplicated (T; older notation c.1882dupT).
Protein change: p.Cys628fs; shifts the reading frame from cysteine 628.
Molecular consequence: frameshift variant.
Genome position (GRCh38, 1-based): chr19:32,887,835, A duplicated on the plus strand (T on the coding strand, the reverse complement: CEP89 is on the minus strand). VCF-style (leftmost placement, unchanged base first): chr19-32887834-C-CA. GRCh37 (hg19) VCF-style: chr19-33378740-C-CA.
Other names: short protein forms C628fs.
Identifiers: ClinVar variation 2963290 (VCV002963290.3), dbSNP rs1198152978, ClinGen allele CA506672021.
Genomic context (GRCh38, chr19:32,887,834, plus strand): 5'-CCCAGGCGAATGTTGCTTTTTATGACTTTATTAAGCACTCCATCCTTCTCACTTTCTAAA[C>CA]ATTTTGCCTAGGGAGAAGGGTGATAAATGGGCTCTCAGTTTTACAGAAAAATTGAAATAA-3'